The following is an entry in ClinVar:

NM_016156.6(MTMR2):c.1695T>C (p.Tyr565=)

Gene: MTMR2 (myotubularin related protein 2; minus strand). Cytogenetic location: 11q21.
Variant type: single nucleotide variant.
Coding change: c.1695T>C on transcript NM_016156.6 (MANE Select); coding-DNA position 1695, T replaced by C.
Protein change: p.Tyr565=; no amino-acid change (tyrosine 565 retained).
Molecular consequence: synonymous variant.
Genome position (GRCh38, 1-based): chr11:95,836,223, A>G on the plus strand (T>C on the coding strand, the complement: MTMR2 is on the minus strand). VCF-style: chr11-95836223-A-G. GRCh37 (hg19) VCF-style: chr11-95569387-A-G.
Other names: c.1479T>C, p.Tyr493= (NM_001243571.2, NM_201278.3, NM_201281.3).
Identifiers: ClinVar variation 515235 (VCV000515235.11), dbSNP rs1555056916, ClinGen allele CA476304358.
Genomic context (GRCh38, chr11:95,836,223, plus strand): 5'-TGGATTCCACCTTATGTAATATCCCACCCAGAGCTCTAGGTGGCGCATGCTGGCTACTGG[A>G]TAAAGGACATGATTGGAATAGCTCCCATAGAGAGGATTAGTGAAGTCTTCCAGCTGGCTG-3'
Protein context (NP_057240.3, residues 555-575): LYGSYSNHVL[Tyr565=]PVASMRHLEL

ClinVar aggregate classification (germline): Likely benign. Review status: criteria provided, multiple submitters, no conflicts (2 of 4 stars). 3 submissions from 3 submitters: Likely benign (3). Last evaluated 2024-09-15.

Conditions:
Charcot-Marie-Tooth disease type 4. Also called: Charcot-Marie-Tooth disease, type IV; Charcot-Marie-Tooth, Type 4. Identifiers: Orphanet 64749, MedGen C4082197, MONDO:0018995.
Inborn genetic diseases. Identifiers: MedGen C0950123, MeSH D030342.

Allele frequency attached by ClinVar (database versions not stated): TOPMed below 0.00001; gnomAD exomes 0.00001.
gnomAD v4.1: 11 of 1,613,038 alleles (0.00068%); highest among the groups gnomAD compares: Non-Finnish European, 0.00093%; no homozygotes.

Submissions (3):

Labcorp Genetics (formerly Invitae), Labcorp
Classification: Likely benign for Charcot-Marie-Tooth disease type 4. Last evaluated: 2024-09-15. Review status: criteria provided, single submitter. Criteria: Invitae Variant Classification Sherloc (09022015). Collection method: clinical testing. Allele origin: germline.

Ambry Genetics
Classification: Likely benign for Inborn genetic diseases. Last evaluated: 2019-07-11. Review status: criteria provided, single submitter. Criteria: Ambry Variant Classification Scheme 2023. Collection method: clinical testing. Allele origin: germline.

GeneDx
Classification: Likely benign. Last evaluated: 2018-02-02. Review status: criteria provided, single submitter. Criteria: GeneDx Variant Classification (06012015). Collection method: clinical testing. Allele origin: germline. Affected: yes.
Comment: This variant is considered likely benign or benign based on one or more of the following criteria: it is a conservative change, it occurs at a poorly conserved position in the protein, it is predicted to be benign by multiple in silico algorithms, and/or has population frequency not consistent with disease.